The following is an entry in ClinVar:

NM_020719.3(PRR12):c.1130G>T (p.Gly377Val)

Gene: PRR12 (proline rich 12; plus strand). Cytogenetic location: 19q13.33.
Variant type: single nucleotide variant.
Coding change: c.1130G>T on transcript NM_020719.3 (MANE Select); coding-DNA position 1130, G replaced by T.
Protein change: p.Gly377Val; replaces glycine 377 with valine.
Molecular consequence: missense variant.
Genome position (GRCh38, 1-based): chr19:49,595,465, G>T. VCF-style: chr19-49595465-G-T. GRCh37 (hg19) VCF-style: chr19-50098722-G-T.
Other names: short protein forms G377V.
Identifiers: ClinVar variation 3039865 (VCV003039865.11), dbSNP rs201908223, ClinGen allele CA9577795.

ClinVar aggregate classification (germline): Likely benign. Review status: criteria provided, multiple submitters, no conflicts (2 of 4 stars). 3 submissions from 3 submitters: Likely benign (2). 1 of the submissions does not count toward it. Last evaluated 2026-09-01.

Conditions:
PRR12-related disorder. Also called: PRR12-related condition.

Allele frequency attached by ClinVar (database versions not stated): 1000 Genomes Project 30x 0.00094; gnomAD 0.00121; TOPMed 0.00129; ESP Exome Variant Server 0.00153.
gnomAD v4.1: 3,087 of 1,549,968 alleles (0.2%); highest among the groups gnomAD compares: Non-Finnish European, 0.25%; 4 homozygotes.

Submissions (3):

CeGaT Center for Human Genetics Tuebingen
Classification: Likely benign. Last evaluated: 2026-09-01. Review status: criteria provided, single submitter. Criteria: CeGaT Center For Human Genetics Tuebingen Variant Classification Criteria Version 2. Collection method: clinical testing. Allele origin: germline. Affected: yes. Observed: 2 variant alleles.
Comment: PRR12: BS1

Blueprint Genetics
Classification: Likely benign. Last evaluated: 2024-11-07. Review status: criteria provided, single submitter. Criteria: ACMG Guidelines, 2015. Collection method: clinical testing. Allele origin: germline.

PreventionGenetics, part of Exact Sciences
Classification: Likely benign for PRR12-related condition. Last evaluated: 2022-04-20. Review status: no assertion criteria provided. Collection method: clinical testing. Allele origin: germline. Not counted in ClinVar's aggregate classification.
Comment: This variant is classified as likely benign based on ACMG/AMP sequence variant interpretation guidelines (Richards et al. 2015 PMID: 25741868, with internal and published modifications).